The following is an entry in ClinVar:

NM_000426.4(LAMA2):c.5446-2A>C

Gene: LAMA2 (laminin subunit alpha 2; plus strand). Cytogenetic location: 6q22.33.
Variant type: single nucleotide variant.
Coding change: c.5446-2A>C on transcript NM_000426.4 (MANE Select); the canonical splice acceptor site of the intron before coding-DNA position 5446, A replaced by C.
Molecular consequence: splice acceptor variant.
Genome position (GRCh38, 1-based): chr6:129,401,222, A>C. VCF-style: chr6-129401222-A-C. GRCh37 (hg19) VCF-style: chr6-129722367-A-C.
Other names: c.5446-2A>C (NM_001079823.2).
Identifiers: ClinVar variation 2748469 (VCV002748469.4), dbSNP rs2533295360, ClinGen allele CA365615028.

ClinVar aggregate classification (germline): Conflicting classifications of pathogenicity. Review status: criteria provided, conflicting classifications (1 of 4 stars). 2 submissions from 2 submitters: Likely pathogenic (1); Uncertain significance (1). Last evaluated 2025-12-18.

Conditions:
LAMA2-related muscular dystrophy (LAMA2-RD). Also called: Laminin alpha 2-related dystrophy. Identifiers: MedGen C5679788, MONDO:0100228.

Submissions (2):

Myriad Genetics, Inc.
Classification: Uncertain significance for LAMA2-related muscular dystrophy. Last evaluated: 2025-12-18. Review status: criteria provided, single submitter. Criteria: Myriad Autosomal Dominant, Autosomal Recessive and X-Linked Classification Criteria (2023). Collection method: clinical testing. Allele origin: unknown.
Comment: NM_000426.3(LAMA2):c.5446-2A>C is a variant in a canonical splice site classified as a variant of uncertain significance in the context of muscular dystrophy, LAMA2-related. c.5446-2A>C has not been observed in cases with relevant disease. Relevant functional assessments of this variant are not available in the literature. c.5446-2A>C has not been observed in referenced population frequency databases. In summary, there is insufficient evidence to classify NM_000426.3(LAMA2):c.5446-2A>C as pathogenic or benign. Please note: this variant was assessed in the context of healthy population screening.

Labcorp Genetics (formerly Invitae), Labcorp
Classification: Likely pathogenic for LAMA2-related muscular dystrophy. Last evaluated: 2024-02-14. Review status: criteria provided, single submitter. Criteria: Invitae Variant Classification Sherloc (09022015). Collection method: clinical testing. Allele origin: germline.
Comment: This sequence change affects an acceptor splice site in intron 37 of the LAMA2 gene. It is expected to disrupt RNA splicing. Variants that disrupt the donor or acceptor splice site typically lead to a loss of protein function (PMID: 16199547), and loss-of-function variants in LAMA2 are known to be pathogenic (PMID: 18700894, 32904964). This variant is not present in population databases (gnomAD no frequency). This variant has not been reported in the literature in individuals affected with LAMA2-related conditions. Algorithms developed to predict the effect of sequence changes on RNA splicing suggest that this variant may disrupt the consensus splice site. In summary, the currently available evidence indicates that the variant is pathogenic, but additional data are needed to prove that conclusively. Therefore, this variant has been classified as Likely Pathogenic.

Literature cited by the submitters: PubMed 16199547 (cited by Labcorp Genetics (formerly Invitae), Labcorp); PubMed 18700894 (cited by Labcorp Genetics (formerly Invitae), Labcorp); PubMed 32904964 (cited by Labcorp Genetics (formerly Invitae), Labcorp).